The following is an entry in ClinVar:

ClinVar aggregate classification (germline): Uncertain significance (1 of 4 stars; one submission).

Allele frequency attached by ClinVar (database versions not stated): gnomAD 0.00001; gnomAD exomes 0.00001; ExAC 0.00007.
gnomAD v4.1: 13 of 1,571,154 alleles (0.00083%); highest among the groups gnomAD compares: East Asian, 0.0047%; no homozygotes.

Submission:

Labcorp Genetics (formerly Invitae), Labcorp
Classification: Uncertain significance. Last evaluated: 2025-11-24. Review status: criteria provided, single submitter. Criteria: Invitae Variant Classification Sherloc (09022015). Collection method: clinical testing. Allele origin: germline.
Comment: This sequence change replaces glutamic acid, which is acidic and polar, with lysine, which is basic and polar, at codon 1479 of the HSPG2 protein (p.Glu1479Lys). The frequency data for this variant in the population databases is considered unreliable, as metrics indicate poor data quality at this position in the gnomAD database. This variant has not been reported in the literature in individuals affected with HSPG2-related conditions. ClinVar contains an entry for this variant (Variation ID: 1508530). An algorithm developed to predict the effect of missense changes on protein structure and function (PolyPhen-2) suggests that this variant is likely to be disruptive. In summary, the available evidence is currently insufficient to determine the role of this variant in disease. Therefore, it has been classified as a Variant of Uncertain Significance.

NM_005529.7(HSPG2):c.4435G>A (p.Glu1479Lys)

Gene: HSPG2 (heparan sulfate proteoglycan 2; minus strand). Cytogenetic location: 1p36.12.
Variant type: single nucleotide variant.
Coding change: c.4435G>A on transcript NM_005529.7 (MANE Select); coding-DNA position 4435, G replaced by A.
Protein change: p.Glu1479Lys; replaces glutamic acid 1479 with lysine.
Molecular consequence: missense variant.
Genome position (GRCh38, 1-based): chr1:21,865,034, C>T on the plus strand (G>A on the coding strand, the complement: HSPG2 is on the minus strand). VCF-style: chr1-21865034-C-T. GRCh37 (hg19) VCF-style: chr1-22191527-C-T.
Other names: c.4438G>A, p.Glu1480Lys (NM_001291860.2); short protein forms E1479K, E1480K.
Identifiers: ClinVar variation 1508530 (VCV001508530.7), dbSNP rs759310815, ClinGen allele CA672269.